The following is an entry in ClinVar:

ClinVar aggregate classification (germline): Likely benign. Review status: criteria provided, multiple submitters, no conflicts (2 of 4 stars). 2 submissions from 2 submitters: Likely benign (2). Last evaluated 2025-03-04.

Submissions (2):

Center for Genomic Medicine, Rigshospitalet, Copenhagen University Hospital
Classification: Likely benign. Last evaluated: 2025-03-04. Review status: criteria provided, single submitter. Criteria: ACMG Guidelines, 2015. Collection method: clinical testing. Allele origin: germline.

GeneDx
Classification: Likely benign. Last evaluated: 2017-11-29. Review status: criteria provided, single submitter. Criteria: GeneDx Variant Classification (06012015). Collection method: clinical testing. Allele origin: germline. Affected: yes.
Comment: This variant is considered likely benign or benign based on one or more of the following criteria: it is a conservative change, it occurs at a poorly conserved position in the protein, it is predicted to be benign by multiple in silico algorithms, and/or has population frequency not consistent with disease.

NM_006231.4(POLE):c.-38delA

Genes: POLE (DNA polymerase epsilon, catalytic subunit; minus strand), LOC130009266 (ATAC-STARR-seq lymphoblastoid silent region 5123; plus strand). Cytogenetic location: 12q24.33.
Variant type: Deletion.
Coding change: c.-38delA on transcript NM_006231.4 (MANE Select); 38 bases upstream of the start codon, one base deleted (A).
Genome position (GRCh38, 1-based): chr12:132,687,353, T deleted on the plus strand (A on the coding strand, the reverse complement: POLE is on the minus strand); the first of 3 consecutive T bases (chr12:132,687,353-132,687,355); deleting any one gives the same sequence. VCF-style (leftmost placement, unchanged base first): chr12-132687352-AT-A. GRCh37 (hg19) VCF-style: chr12-133263938-AT-A.
Identifiers: ClinVar variation 420299 (VCV000420299.8), dbSNP rs1031310075, ClinGen allele CA16619490.